The following is an entry in ClinVar:

NM_133497.4(KCNV2):c.1258A>G (p.Met420Val)

Gene: KCNV2 (potassium voltage-gated channel modifier subfamily V member 2; plus strand). Cytogenetic location: 9p24.2.
Variant type: single nucleotide variant.
Coding change: c.1258A>G on transcript NM_133497.4 (MANE Select); coding-DNA position 1258, A replaced by G.
Protein change: p.Met420Val; replaces methionine 420 with valine.
Molecular consequence: missense variant.
Genome position (GRCh38, 1-based): chr9:2,718,997, A>G. VCF-style: chr9-2718997-A-G. GRCh37 (hg19) VCF-style: chr9-2718997-A-G.
Other names: short protein forms M420V.
Identifiers: ClinVar variation 913136 (VCV000913136.12), dbSNP rs1413316237, ClinGen allele CA372802591.

ClinVar aggregate classification (germline): Uncertain significance. Review status: criteria provided, multiple submitters, no conflicts (2 of 4 stars). 3 submissions from 3 submitters: Uncertain significance (3). Last evaluated 2023-11-14.

Conditions:
Inborn genetic diseases. Identifiers: MedGen C0950123, MeSH D030342.
Cone dystrophy with supernormal rod response (CDSRR). Also called: CONE DYSTROPHY WITH SUPERNORMAL ROD RESPONSES. Identifiers: Orphanet 209932, MedGen C1835897, MONDO:0012475, OMIM 610356.

Allele frequency attached by ClinVar (database versions not stated): gnomAD exomes below 0.00001; TOPMed below 0.00001.

Submissions (3):

Ambry Genetics
Classification: Uncertain significance for Inborn genetic diseases. Last evaluated: 2023-11-14. Review status: criteria provided, single submitter. Criteria: Ambry Variant Classification Scheme 2023. Collection method: clinical testing. Allele origin: germline.

Labcorp Genetics (formerly Invitae), Labcorp
Classification: Uncertain significance. Last evaluated: 2021-04-23. Review status: criteria provided, single submitter. Criteria: Invitae Variant Classification Sherloc (09022015). Collection method: clinical testing. Allele origin: germline.
Comment: This variant is not present in population databases (ExAC no frequency). This sequence change replaces methionine with valine at codon 420 of the KCNV2 protein (p.Met420Val). The methionine residue is highly conserved and there is a small physicochemical difference between methionine and valine. This variant has not been reported in the literature in individuals with KCNV2-related conditions. ClinVar contains an entry for this variant (Variation ID: 913136). In summary, the available evidence is currently insufficient to determine the role of this variant in disease. Therefore, it has been classified as a Variant of Uncertain Significance. Advanced modeling of protein sequence and biophysical properties (such as structural, functional, and spatial information, amino acid conservation, physicochemical variation, residue mobility, and thermodynamic stability) performed at Invitae indicates that this missense variant is not expected to disrupt KCNV2 protein function.

Illumina Laboratory Services, Illumina
Classification: Uncertain significance for Cone dystrophy with supernormal rod response. Last evaluated: 2018-01-12. Review status: criteria provided, single submitter. Criteria: ICSL Variant Classification Criteria 13 December 2019. Collection method: clinical testing. Allele origin: germline.